The following is an entry in ClinVar:

ClinVar aggregate classification (germline): Pathogenic (1 of 4 stars; one submission).

gnomAD v4.1: 1 of 1,613,900 alleles (0.000062%); no homozygotes.

Submission:

CeGaT Center for Human Genetics Tuebingen
Classification: Pathogenic. Last evaluated: 2024-09-01. Review status: criteria provided, single submitter. Criteria: CeGaT Center For Human Genetics Tuebingen Variant Classification Criteria Version 2. Collection method: clinical testing. Allele origin: germline. Affected: yes. Observed: 1 variant allele.
Comment: SPG7: PVS1, PM2, PM3:Supporting

NM_003119.4(SPG7):c.1063A>T (p.Lys355Ter)

Gene: SPG7 (SPG7 matrix AAA peptidase subunit, paraplegin; plus strand). Cytogenetic location: 16q24.3.
Variant type: single nucleotide variant.
Coding change: c.1063A>T on transcript NM_003119.4 (MANE Select); coding-DNA position 1063, A replaced by T.
Protein change: p.Lys355Ter; replaces lysine 355 with a stop codon.
Molecular consequence: nonsense.
Genome position (GRCh38, 1-based): chr16:89,531,979, A>T. VCF-style: chr16-89531979-A-T. GRCh37 (hg19) VCF-style: chr16-89598387-A-T.
Other names: c.1063A>T, p.Lys355Ter (NM_001363850.1, NM_199367.3); short protein forms K355*.
Identifiers: ClinVar variation 3389686 (VCV003389686.14).